The following is an entry in ClinVar:

NM_004385.5(VCAN):c.3865C>G (p.Gln1289Glu)

Gene: VCAN (versican; plus strand). Cytogenetic location: 5q14.3.
Variant type: single nucleotide variant.
Coding change: c.3865C>G on transcript NM_004385.5 (MANE Select); coding-DNA position 3865, C replaced by G.
Protein change: p.Gln1289Glu; replaces glutamine 1289 with glutamic acid.
Molecular consequence: missense variant. On other transcripts: intron variant (2).
Genome position (GRCh38, 1-based): chr5:83,522,171, C>G. VCF-style: chr5-83522171-C-G. GRCh37 (hg19) VCF-style: chr5-82817990-C-G.
Other names: c.3865C>G, p.Gln1289Glu (NM_001164098.2); c.1042+9775C>G (NM_001164097.2, NM_001126336.3); short protein forms Q1289E.
Identifiers: ClinVar variation 2092747 (VCV002092747.4), dbSNP rs369287217, ClinGen allele CA3333070.

ClinVar aggregate classification (germline): Uncertain significance (1 of 4 stars; one submission).

Allele frequency attached by ClinVar (database versions not stated): ExAC 0.00002; gnomAD exomes 0.00002; ESP Exome Variant Server 0.00008.
gnomAD v4.1: 21 of 1,609,566 alleles (0.0013%); highest among the groups gnomAD compares: Non-Finnish European, 0.0018%; no homozygotes.

Submission:

Labcorp Genetics (formerly Invitae), Labcorp
Classification: Uncertain significance. Last evaluated: 2022-04-19. Review status: criteria provided, single submitter. Criteria: Invitae Variant Classification Sherloc (09022015). Collection method: clinical testing. Allele origin: germline.
Comment: This variant has not been reported in the literature in individuals affected with VCAN-related conditions. Algorithms developed to predict the effect of missense changes on protein structure and function (SIFT, PolyPhen-2, Align-GVGD) all suggest that this variant is likely to be disruptive. In summary, the available evidence is currently insufficient to determine the role of this variant in disease. Therefore, it has been classified as a Variant of Uncertain Significance. This sequence change replaces glutamine, which is neutral and polar, with glutamic acid, which is acidic and polar, at codon 1289 of the VCAN protein (p.Gln1289Glu). This variant is present in population databases (rs369287217, gnomAD 0.0009%).